The following is an entry in ClinVar:

NM_178148.4(SLC35B2):c.645C>T (p.Ala215=)

Gene: SLC35B2 (solute carrier family 35 member B2; minus strand). Cytogenetic location: 6p21.1.
Variant type: single nucleotide variant.
Coding change: c.645C>T on transcript NM_178148.4 (MANE Select); coding-DNA position 645, C replaced by T.
Protein change: p.Ala215=; no amino-acid change (alanine 215 retained).
Molecular consequence: synonymous variant.
Genome position (GRCh38, 1-based): chr6:44,255,360, G>A on the plus strand (C>T on the coding strand, the complement: SLC35B2 is on the minus strand). VCF-style: chr6-44255360-G-A. GRCh37 (hg19) VCF-style: chr6-44223097-G-A.
Other names: c.630C>T, p.Ala210= (NM_001286509.2, NM_001286510.2); c.498C>T, p.Ala166= (NM_001286511.2, NM_001286512.2); c.366C>T, p.Ala122= (NM_001286513.2); c.330C>T, p.Ala110= (NM_001286517.2); c.246C>T, p.Ala82= (NM_001286519.2, NM_001286520.2).
Identifiers: ClinVar variation 2673062 (VCV002673062.22), dbSNP rs182428561, ClinGen allele CA3832829.

ClinVar aggregate classification (germline): Likely benign (1 of 4 stars; one submission).

Allele frequency attached by ClinVar (database versions not stated): 1000 Genomes Project 0.00040; TOPMed 0.00055; 1000 Genomes Project 30x 0.00062; ESP Exome Variant Server 0.00062; gnomAD exomes 0.00105; ExAC 0.00127.
gnomAD v4.1: 1,642 of 1,614,248 alleles (0.1%); highest among the groups gnomAD compares: South Asian, 0.19%; 4 homozygotes.

Submission:

CeGaT Center for Human Genetics Tuebingen
Classification: Likely benign. Last evaluated: 2025-10-01. Review status: criteria provided, single submitter. Criteria: CeGaT Center For Human Genetics Tuebingen Variant Classification Criteria Version 2. Collection method: clinical testing. Allele origin: germline. Affected: yes. Observed: 2 variant alleles.
Comment: SLC35B2: BP4, BP7